The following is an entry in ClinVar:

NM_017763.6(RNF43):c.2345C>T (p.Ala782Val)

Gene: RNF43 (ring finger protein 43; minus strand). Cytogenetic location: 17q22.
Variant type: single nucleotide variant.
Coding change: c.2345C>T on transcript NM_017763.6 (MANE Select); coding-DNA position 2345, C replaced by T.
Protein change: p.Ala782Val; replaces alanine 782 with valine.
Molecular consequence: missense variant.
Genome position (GRCh38, 1-based): chr17:58,354,950, G>A on the plus strand (C>T on the coding strand, the complement: RNF43 is on the minus strand). VCF-style: chr17-58354950-G-A. GRCh37 (hg19) VCF-style: chr17-56432311-G-A.
Other names: c.2345C>T, p.Ala782Val (NM_001305544.3, NM_001438822.1); c.1964C>T, p.Ala655Val (NM_001305545.2); short protein forms A655V, A782V.
Identifiers: ClinVar variation 4712499 (VCV004712499.1).
Genomic context (GRCh38, chr17:58,354,950, plus strand): 5'-AGGGCCCAAACACATCTGGAGCACACTCTTGGTTGGAGCTAGGCCTGAACATCTCACACA[G>A]CCTGTTCACACAGCTCCTCGAGTTCCTCCTCTGAGCCTGTATTTAGAGAGCGGGGAGGAA-3'
Protein context (NP_060233.3, residues 772-783): EEELEELCEQ[Ala782Val]V

ClinVar aggregate classification (germline): Uncertain significance (1 of 4 stars; one submission).

Submission:

Labcorp Genetics (formerly Invitae), Labcorp
Classification: Uncertain significance. Last evaluated: 2025-02-06. Review status: criteria provided, single submitter. Criteria: Invitae Variant Classification Sherloc (09022015). Collection method: clinical testing. Allele origin: germline.
Comment: This sequence change replaces alanine, which is neutral and non-polar, with valine, which is neutral and non-polar, at codon 782 of the RNF43 protein (p.Ala782Val). This variant is not present in population databases (gnomAD no frequency). This variant has not been reported in the literature in individuals affected with RNF43-related conditions. An algorithm developed to predict the effect of missense changes on protein structure and function (PolyPhen-2) suggests that this variant is likely to be tolerated. In summary, the available evidence is currently insufficient to determine the role of this variant in disease. Therefore, it has been classified as a Variant of Uncertain Significance.